The following is an entry in ClinVar:

ClinVar aggregate classification (germline): Benign/Likely benign. Review status: criteria provided, multiple submitters, no conflicts (2 of 4 stars). 3 submissions from 3 submitters: Benign (1); Likely benign (1). 1 of the submissions does not count toward it. Last evaluated 2024-10-16.

Conditions:
KIAA0586-related disorder. Also called: KIAA0586- Related disorders; KIAA0586-related condition.
Joubert syndrome 23 (JBTS23). Identifiers: Orphanet 475, MedGen C4084822, MONDO:0014664, OMIM 616490.
Short-rib thoracic dysplasia 14 with polydactyly (SRTD14). Identifiers: Orphanet 397715, MedGen C4225286, MONDO:0014688, OMIM 616546.

Allele frequency attached by ClinVar (database versions not stated): gnomAD 0.00005 and 0.00007; TOPMed 0.00010; 1000 Genomes Project 30x 0.00016; 1000 Genomes Project 0.00020; ExAC 0.00025.
gnomAD v4.1: 73 of 1,613,250 alleles (0.0045%); highest among the groups gnomAD compares: East Asian, 0.15%; no homozygotes.

Submissions (3):

Labcorp Genetics (formerly Invitae), Labcorp
Classification: Benign for Joubert syndrome 23; Short-rib thoracic dysplasia 14 with polydactyly. Last evaluated: 2024-10-16. Review status: criteria provided, single submitter. Criteria: Invitae Variant Classification Sherloc (09022015). Collection method: clinical testing. Allele origin: germline.

Blueprint Genetics
Classification: Likely benign. Last evaluated: 2023-09-18. Review status: criteria provided, single submitter. Criteria: ACMG Guidelines, 2015. Collection method: clinical testing. Allele origin: germline.

PreventionGenetics, part of Exact Sciences
Classification: Likely benign for KIAA0586-related condition. Last evaluated: 2021-11-29. Review status: no assertion criteria provided. Collection method: clinical testing. Allele origin: germline. Not counted in ClinVar's aggregate classification.
Comment: This variant is classified as likely benign based on ACMG/AMP sequence variant interpretation guidelines (Richards et al. 2015 PMID: 25741868, with internal and published modifications).

NM_001329943.3(KIAA0586):c.3774C>G (p.Ala1258=)

Gene: KIAA0586 (KIAA0586; plus strand). Cytogenetic location: 14q23.1.
Variant type: single nucleotide variant.
Coding change: c.3774C>G on transcript NM_001329943.3 (MANE Select); coding-DNA position 3774, C replaced by G.
Protein change: p.Ala1258=; no amino-acid change (alanine 1258 retained).
Molecular consequence: synonymous variant.
Genome position (GRCh38, 1-based): chr14:58,488,867, C>G. VCF-style: chr14-58488867-C-G. GRCh37 (hg19) VCF-style: chr14-58955585-C-G.
Other names: c.3933C>G, p.Ala1311= (NM_001244189.2); c.3729C>G, p.Ala1243= (NM_001244190.2); c.3519C>G, p.Ala1173= (NM_001244191.2, NM_001329945.2, NM_001364700.1 and 1 more transcripts); c.3642C>G, p.Ala1214= (NM_001244192.2); c.3354C>G, p.Ala1118= (NM_001244193.2); c.3774C>G, p.Ala1258= (NM_001329944.2, NM_001329946.2, NM_001329947.2); c.3546C>G, p.Ala1182= (NM_014749.5); c.3933C>G (NM_001244189.1).
Identifiers: ClinVar variation 1169975 (VCV001169975.10), dbSNP rs199982600, ClinGen allele CA7206247.